The following is an entry in ClinVar:

NM_001352754.2(ARMC9):c.1246C>T (p.Gln416Ter)

Gene: ARMC9 (armadillo repeat containing 9; plus strand). Cytogenetic location: 2q37.1.
Variant type: single nucleotide variant.
Coding change: c.1246C>T on transcript NM_001352754.2 (MANE Select); coding-DNA position 1246, C replaced by T.
Protein change: p.Gln416Ter; replaces glutamine 416 with a stop codon.
Molecular consequence: nonsense. On other transcripts: non-coding transcript variant (1).
Genome position (GRCh38, 1-based): chr2:231,272,990, C>T. VCF-style: chr2-231272990-C-T. GRCh37 (hg19) VCF-style: chr2-232137703-C-T.
Other names: c.1246C>T, p.Gln416Ter (NM_001271466.4, NM_001291656.2, NM_001352755.2 and 3 more transcripts); c.1147C>T, p.Gln383Ter (NM_001352757.2, NM_001352758.2); short protein forms Q383*, Q416*.
Identifiers: ClinVar variation 3723653 (VCV003723653.2).

ClinVar aggregate classification (germline): Pathogenic (1 of 4 stars; one submission).

Submission:

Labcorp Genetics (formerly Invitae), Labcorp
Classification: Pathogenic. Last evaluated: 2024-10-23. Review status: criteria provided, single submitter. Criteria: Invitae Variant Classification Sherloc (09022015). Collection method: clinical testing. Allele origin: germline.
Comment: This sequence change creates a premature translational stop signal (p.Gln416*) in the ARMC9 gene. It is expected to result in an absent or disrupted protein product. Loss-of-function variants in ARMC9 are known to be pathogenic (PMID: 28625504). This variant is not present in population databases (gnomAD no frequency). This variant has not been reported in the literature in individuals affected with ARMC9-related conditions. For these reasons, this variant has been classified as Pathogenic.

Literature cited by the submitters: PubMed 28625504.